The following is an entry in ClinVar:

NM_000395.3(CSF2RB):c.1330G>A (p.Val444Met)

Gene: CSF2RB (colony stimulating factor 2 receptor subunit beta; plus strand). Cytogenetic location: 22q12.3.
Variant type: single nucleotide variant.
Coding change: c.1330G>A on transcript NM_000395.3 (MANE Select); coding-DNA position 1330, G replaced by A.
Protein change: p.Val444Met; replaces valine 444 with methionine.
Molecular consequence: missense variant.
Genome position (GRCh38, 1-based): chr22:36,935,365, G>A. VCF-style: chr22-36935365-G-A. GRCh37 (hg19) VCF-style: chr22-37331407-G-A.
Other names: short protein forms V444M.
Identifiers: ClinVar variation 1373379 (VCV001373379.8), dbSNP rs370205321, ClinGen allele CA10213800.
Genomic context (GRCh38, chr22:36,935,365, plus strand): 5'-TCCCGCCCAGATGCTGACATTCCTCTTTCTCCCCGGCTGCTGGAAGTGCTGCCTATGTGG[G>A]TGCTGGCCCTCATCGTGATCTTCCTCACCATCGCTGTGCTCCTGGCCCTCCGCTTCTGTG-3'
Protein context (NP_000386.1, residues 434-454): WDTESVLPMW[Val444Met]LALIVIFLTI

ClinVar aggregate classification (germline): Uncertain significance (1 of 4 stars; one submission).

Allele frequency attached by ClinVar (database versions not stated): gnomAD 0.00001; gnomAD exomes 0.00003 and 0.00006; TOPMed 0.00003; ExAC 0.00008.
gnomAD v4.1: 21 of 1,614,080 alleles (0.0013%); highest among the groups gnomAD compares: Admixed American, 0.032%; 1 homozygote.

Submission:

Labcorp Genetics (formerly Invitae), Labcorp
Classification: Uncertain significance. Last evaluated: 2025-07-14. Review status: criteria provided, single submitter. Criteria: Invitae Variant Classification Sherloc (09022015). Collection method: clinical testing. Allele origin: germline.
Comment: This sequence change replaces valine, which is neutral and non-polar, with methionine, which is neutral and non-polar, at codon 444 of the CSF2RB protein (p.Val444Met). This variant is present in population databases (rs370205321, gnomAD 0.05%). This variant has not been reported in the literature in individuals affected with CSF2RB-related conditions. ClinVar contains an entry for this variant (Variation ID: 1373379). Invitae Evidence Modeling of protein sequence and biophysical properties (such as structural, functional, and spatial information, amino acid conservation, physicochemical variation, residue mobility, and thermodynamic stability) indicates that this missense variant is expected to disrupt CSF2RB protein function with a positive predictive value of 80%. In summary, the available evidence is currently insufficient to determine the role of this variant in disease. Therefore, it has been classified as a Variant of Uncertain Significance.